The following is an entry in ClinVar:

NM_080605.4(B3GALT6):c.884G>T (p.Arg295Leu)

Gene: B3GALT6 (beta-1,3-galactosyltransferase 6; plus strand). Cytogenetic location: 1p36.33.
Variant type: single nucleotide variant.
Coding change: c.884G>T on transcript NM_080605.4 (MANE Select); coding-DNA position 884, G replaced by T.
Protein change: p.Arg295Leu; replaces arginine 295 with leucine.
Molecular consequence: missense variant.
Genome position (GRCh38, 1-based): chr1:1,233,162, G>T. VCF-style: chr1-1233162-G-T. GRCh37 (hg19) VCF-style: chr1-1168542-G-T.
Other names: c.884G>T (NM_080605.3); short protein forms R295L.
Identifiers: ClinVar variation 1398493 (VCV001398493.5), dbSNP rs756566189, ClinGen allele CA513454.

ClinVar aggregate classification (germline): Uncertain significance. Review status: criteria provided, multiple submitters, no conflicts (2 of 4 stars). 2 submissions from 2 submitters: Uncertain significance (2). Last evaluated 2024-02-28.

Conditions:
Ehlers-Danlos syndrome, spondylodysplastic type, 2 (EDSSPD2). Also called: Ehlers-Danlos syndrome, progeroid type, 2. Identifiers: Orphanet 536467, Orphanet 75496, MedGen C3809210, MONDO:0014139, OMIM 615349.
Spondyloepimetaphyseal dysplasia with joint laxity (SEMDJL). Identifiers: MedGen C0432243, MONDO:0019675.
Inborn genetic diseases. Identifiers: MedGen C0950123, MeSH D030342.

Allele frequency attached by ClinVar (database versions not stated): TOPMed 0.00002; ExAC 0.00007; gnomAD exomes 0.00009.
gnomAD v4.1: 18 of 1,547,966 alleles (0.0012%); highest among the groups gnomAD compares: Admixed American, 0.025%; no homozygotes.

Submissions (2):

Ambry Genetics
Classification: Uncertain significance for Inborn genetic diseases. Last evaluated: 2024-02-28. Review status: criteria provided, single submitter. Criteria: Ambry Variant Classification Scheme 2023. Collection method: clinical testing. Allele origin: germline.

Labcorp Genetics (formerly Invitae), Labcorp
Classification: Uncertain significance for Ehlers-Danlos syndrome, spondylodysplastic type, 2; Spondyloepimetaphyseal dysplasia with joint laxity. Last evaluated: 2022-08-16. Review status: criteria provided, single submitter. Criteria: Invitae Variant Classification Sherloc (09022015). Collection method: clinical testing. Allele origin: germline.
Comment: In summary, the available evidence is currently insufficient to determine the role of this variant in disease. Therefore, it has been classified as a Variant of Uncertain Significance. Algorithms developed to predict the effect of missense changes on protein structure and function (SIFT, PolyPhen-2, Align-GVGD) all suggest that this variant is likely to be tolerated. ClinVar contains an entry for this variant (Variation ID: 1398493). This variant has not been reported in the literature in individuals affected with B3GALT6-related conditions. This variant is present in population databases (rs756566189, gnomAD 0.05%). This sequence change replaces arginine, which is basic and polar, with leucine, which is neutral and non-polar, at codon 295 of the B3GALT6 protein (p.Arg295Leu).